The following is an entry in ClinVar:

NM_004999.4(MYO6):c.238C>T (p.Arg80Ter)

Gene: MYO6 (myosin VI; plus strand). Cytogenetic location: 6q14.1.
Variant type: single nucleotide variant.
Coding change: c.238C>T on transcript NM_004999.4 (MANE Select); coding-DNA position 238, C replaced by T.
Protein change: p.Arg80Ter; replaces arginine 80 with a stop codon.
Molecular consequence: nonsense. On other transcripts: non-coding transcript variant (2).
Genome position (GRCh38, 1-based): chr6:75,828,590, C>T. VCF-style: chr6-75828590-C-T. GRCh37 (hg19) VCF-style: chr6-76538307-C-T.
Other names: NM_004999.3(MYO6):c.238C>T(p.Arg80Ter); NM_004999.3(MYO6):c.238C>T; c.238C>T, p.Arg80Ter (NM_001300899.2, NM_001368136.1, NM_001368137.1 and 5 more transcripts); short protein forms R80*.
Identifiers: ClinVar variation 178957 (VCV000178957.22), dbSNP rs727504567, ClinGen allele CA183381.
Genomic context (GRCh38, chr6:75,828,590, plus strand): 5'-TATGTCTTAGGTTCACTAATGTATTTAAATGAAGCCACACTGCTCCATAATATCAAAGTT[C>T]GATATAGTAAAGACAGAATTTATGTAAGTATTTTACCTGTAGTGTAAGTTTTTGTGGAGA-3'

ClinVar aggregate classification (germline): Pathogenic. Review status: reviewed by expert panel (3 of 4 stars). 6 submissions from 6 submitters: Pathogenic (1). 5 of the submissions do not count toward it. Last evaluated 2023-01-24.

Conditions:
Rare genetic deafness. Identifiers: Orphanet 96210, MedGen C5680250.
Monogenic hearing loss.
Nonsyndromic genetic hearing loss. Also called: Nonsyndromic hearing loss and deafness; Non-syndromic genetic deafness; Nonsyndromic genetic deafness. Identifiers: Orphanet 87884, MedGen C5680182, MONDO:0019497.
Autosomal dominant nonsyndromic hearing loss 22. Also called: Autosomal dominant nonsyndromic deafness 22; DFNA 22. Identifiers: Orphanet 228012, MedGen C2931767, MONDO:0011660, OMIM 606346.

Allele frequency attached by ClinVar (database versions not stated): gnomAD 0.00001; gnomAD exomes below 0.00001; ExAC 0.00001.
gnomAD v4.1: 3 of 1,581,644 alleles (0.00019%); highest among the groups gnomAD compares: Non-Finnish European, 0.00026%; no homozygotes.

Submissions (6):

ClinGen Hearing Loss Variant Curation Expert Panel
Classification: Pathogenic for Nonsyndromic genetic hearing loss. Last evaluated: 2023-01-24. Review status: reviewed by expert panel. Criteria: Clingen Hl Acmg Specifications Cdh23 Coch Gjb2 Kcnq4 Myo6 Myo7a Slc26a4 Tecta Ush2a V2. Collection method: curation. Allele origin: germline. Inheritance: Autosomal dominant inheritance.
Comment: The NM_004999.4:c.238C>T (p.Arg80Ter) variant in MYO6 is a nonsense variant predicted to cause a premature stop codon in biologically-relevant-exon 4 and is predicted to lead to nonsense mediated decay in a gene in which loss-of-function is an established disease mechanism (PVS1). The highest population minor allele frequency in gnomAD v2.1.1 is 0.0008% (1/113330 alleles) in the European (non-Finnish) population, which is lower than the ClinGen Hearing Loss VCEP threshold (<=0.002%) for PM2_Supporting. This variant has been reported in 2 families with teenage onset progressive sensorineural hearing loss, both displaying an autosomal dominant pattern of inheritance (PS4_Supporting; PMID: 32143290, 33111345). The variant has been reported to segregate with hearing loss in 2 affected family members from 1 family (PP1; PMID:33111345). In summary, this variant meets the criteria to be classified as Pathogenic for autosomal dominant hearing loss, based on the ACMG/AMP criteria applied, as specified by the ClinGen Hearing Loss Variant Curation Expert Panel: (PVS1, PM2_Supporting, PS4_Supporting, PP1). (VCEP specifications version 2.0.0; December 21, 2022)

GeneDx
Classification: Pathogenic. Last evaluated: 2026-07-21. Review status: criteria provided, single submitter. Criteria: GeneDx Variant Classification Process June 2021. Collection method: clinical testing. Allele origin: germline. Not counted in ClinVar's aggregate classification.
Comment: Observed in two siblings with hearing loss who are homozygous for the variant, but both individuals are also heterozygous for a pathogenic GSDME variant (PMID: 33710140); Reported as a variant identified in the Deafness Variation Database, however, no additional information was provided (PMID: 29044474); Nonsense variant predicted to result in protein truncation or nonsense mediated decay in a gene for which loss of function is a known mechanism of disease; Not observed at significant frequency in large population cohorts (gnomAD); This variant is associated with the following publications: (PMID: 38400873, 34599366, 30311386, 32143290, 33111345, 33710140, 29044474)

Genetics Laboratory, Great Ormond Street Hospital NHS Foundation Trust, North Thames Genomic Laboratory Hub
Classification: Pathogenic for Monogenic hearing loss. Last evaluated: 2025-09-25. Review status: criteria provided, single submitter. Criteria: ACGS Best Practice Guidelines for Variant Classification in Rare Disease 2024 v1.2. Collection method: clinical testing. Allele origin: germline. Affected: yes. Not counted in ClinVar's aggregate classification.
Comment: PS4_moderate, PM2_moderate, PVS1_very-strong

Laboratory of Prof. Karen Avraham, Tel Aviv University
Classification: Pathogenic for Autosomal dominant nonsyndromic hearing loss 22. Last evaluated: 2018-05-07. Review status: criteria provided, single submitter. Criteria: ACMG Guidelines, 2015. Collection method: research. Allele origin: germline. Affected: yes. Not counted in ClinVar's aggregate classification.
Comment: Dominant, teenage onset, progressive moderate high tone NSHL

ARUP Laboratories, Molecular Genetics and Genomics, ARUP Laboratories
Classification: Likely pathogenic. Last evaluated: 2017-01-26. Review status: criteria provided, single submitter. Criteria: ARUP Molecular Germline Variant Investigation Process. Collection method: clinical testing. Allele origin: germline. Not counted in ClinVar's aggregate classification.

Laboratory for Molecular Medicine, Mass General Brigham Personalized Medicine
Classification: Likely pathogenic for Rare genetic deafness. Last evaluated: 2013-10-05. Review status: criteria provided, single submitter. Criteria: LMM Criteria. Collection method: clinical testing. Allele origin: germline. Observed: 1 variant allele. Not counted in ClinVar's aggregate classification.
Comment: The Arg80X variant in MYO6 has not been reported in individuals with hearing los s or in large population studies. This nonsense variant leads to a premature ter mination codon at position 80, which is predicted to lead to a truncated or abse nt protein. Nonsense variants in the MYO6 gene have been reported as disease cau sing variants in families with hearing loss. In summary, this variant is likely pathogenic, though additional studies are required to fully establish its clinic al significance.